The following is an entry in ClinVar:

NM_001165963.4(SCN1A):c.2354T>G (p.Met785Arg)

Gene: SCN1A (sodium voltage-gated channel alpha subunit 1; minus strand). Cytogenetic location: 2q24.3.
Variant type: single nucleotide variant.
Coding change: c.2354T>G on transcript NM_001165963.4 (MANE Select); coding-DNA position 2354, T replaced by G.
Protein change: p.Met785Arg; replaces methionine 785 with arginine.
Molecular consequence: missense variant. On other transcripts: 5 prime UTR variant (1), non-coding transcript variant (1).
Genome position (GRCh38, 1-based): chr2:166,041,292, A>C on the plus strand (T>G on the coding strand, the complement: SCN1A is on the minus strand). VCF-style: chr2-166041292-A-C. GRCh37 (hg19) VCF-style: chr2-166897802-A-C.
Other names: c.2270T>G, p.Met757Arg (NM_001165964.3, NM_001353957.2, NM_001353958.2); c.2354T>G, p.Met785Arg (NM_001202435.3, NM_001353948.2); c.2321T>G, p.Met774Arg (NM_001353949.2, NM_001353950.2, NM_001353951.2 and 2 more transcripts); c.2318T>G, p.Met773Arg (NM_001353954.2, NM_001353955.2); c.2267T>G, p.Met756Arg (NM_001353960.2); c.-105T>G (NM_001353961.2); short protein forms M774R, M785R, M773R, M757R, M756R.
Identifiers: ClinVar variation 581674 (VCV000581674.9), dbSNP rs796053095, ClinGen allele CA349064075.

ClinVar aggregate classification (germline): Pathogenic (1 of 4 stars; one submission).

Conditions:
Early-infantile DEE. Also called: Early infantile epileptic encephalopathy with suppression bursts; Early infantile epileptic encephalopathy; Ohtahara syndrome. Identifiers: Orphanet 1934, MedGen C0393706, MONDO:0800491.

Submission:

Labcorp Genetics (formerly Invitae), Labcorp
Classification: Pathogenic for Early-infantile DEE. Last evaluated: 2022-07-19. Review status: criteria provided, single submitter. Criteria: Invitae Variant Classification Sherloc (09022015). Collection method: clinical testing. Allele origin: germline.
Comment: This missense change has been observed in individual(s) with clinical features of SCN1A-related disorders (Invitae). In at least one individual the variant was observed to be de novo. ClinVar contains an entry for this variant (Variation ID: 581674). Advanced modeling of protein sequence and biophysical properties (such as structural, functional, and spatial information, amino acid conservation, physicochemical variation, residue mobility, and thermodynamic stability) performed at Invitae indicates that this missense variant is expected to disrupt SCN1A protein function. Algorithms developed to predict the effect of sequence changes on RNA splicing suggest that this variant may create or strengthen a splice site. For these reasons, this variant has been classified as Pathogenic. This variant is not present in population databases (gnomAD no frequency). This sequence change replaces methionine, which is neutral and non-polar, with arginine, which is basic and polar, at codon 785 of the SCN1A protein (p.Met785Arg).